The following is an entry in ClinVar:

NM_000384.3(APOB):c.11843C>G (p.Thr3948Arg)

Gene: APOB (apolipoprotein B; minus strand). Cytogenetic location: 2p24.1.
Variant type: single nucleotide variant.
Coding change: c.11843C>G on transcript NM_000384.3 (MANE Select); coding-DNA position 11843, C replaced by G.
Protein change: p.Thr3948Arg; replaces threonine 3948 with arginine.
Molecular consequence: missense variant.
Genome position (GRCh38, 1-based): chr2:21,004,621, G>C on the plus strand (C>G on the coding strand, the complement: APOB is on the minus strand). VCF-style: chr2-21004621-G-C. GRCh37 (hg19) VCF-style: chr2-21227493-G-C.
Other names: c.11843C>G (NM_000384.2); short protein forms T3948R.
Identifiers: ClinVar variation 1000352 (VCV001000352.9), dbSNP rs748945309, ClinGen allele CA345976540.

ClinVar aggregate classification (germline): Uncertain significance. Review status: criteria provided, multiple submitters, no conflicts (2 of 4 stars). 2 submissions from 2 submitters: Uncertain significance (2). Last evaluated 2026-07-07.

Conditions:
Hypercholesterolemia, autosomal dominant, type B (FHCL2). Also called: Familial hypercholesterolemia 2; Familial Hypercholesterolemia Type B; Hyperlipoproteinemia Type IIb; APOB-Related Familial Hypercholesterolemia, Autosomal Dominant; APOLIPOPROTEIN B-100, FAMILIAL DEFECTIVE; APOLIPOPROTEIN B-100, FAMILIAL LIGAND-DEFECTIVE. Identifiers: MedGen C1704417, MONDO:0007751, OMIM 144010.
Familial hypobetalipoproteinemia 1. Also called: Hypobetalipoproteinemia, normotriglyceridemic; Acanthocytosis with hypobetalipoproteinemia; APOB-Related Familial Hypobetalipoproteinemia. Identifiers: MedGen C4551990, MONDO:0014252, OMIM 615558.
Cardiovascular phenotype. Identifiers: MedGen CN230736.

gnomAD v4.1: 4 of 1,613,870 alleles (0.00025%); highest among the groups gnomAD compares: African/African-American, 0.0013%; no homozygotes.

Submissions (2):

Ambry Genetics
Classification: Uncertain significance for Cardiovascular phenotype. Last evaluated: 2026-07-07. Review status: criteria provided, single submitter. Criteria: Ambry Variant Classification Scheme 2023. Collection method: clinical testing. Allele origin: germline.
Comment: The p.T3948R variant (also known as c.11843C>G), located in coding exon 27 of the APOB gene, results from a C to G substitution at nucleotide position 11843. The threonine at codon 3948 is replaced by arginine, an amino acid with similar properties. This amino acid position is conserved. In addition, this alteration is predicted to be tolerated by in silico analysis. Based on the available evidence, the clinical significance of this variant remains unclear.

Labcorp Genetics (formerly Invitae), Labcorp
Classification: Uncertain significance for Familial hypobetalipoproteinemia 1; Hypercholesterolemia, autosomal dominant, type B. Last evaluated: 2021-09-01. Review status: criteria provided, single submitter. Criteria: Invitae Variant Classification Sherloc (09022015). Collection method: clinical testing. Allele origin: germline.
Comment: This sequence change replaces threonine with arginine at codon 3948 of the APOB protein (p.Thr3948Arg). The threonine residue is moderately conserved and there is a moderate physicochemical difference between threonine and arginine. This variant is not present in population databases (ExAC no frequency). This variant has not been reported in the literature in individuals affected with APOB-related conditions. Algorithms developed to predict the effect of missense changes on protein structure and function are either unavailable or do not agree on the potential impact of this missense change (SIFT: "Deleterious"; PolyPhen-2: "Possibly Damaging"; Align-GVGD: "Class C0"). In summary, the available evidence is currently insufficient to determine the role of this variant in disease. Therefore, it has been classified as a Variant of Uncertain Significance.